The following is an entry in ClinVar:

ClinVar aggregate classification (germline): Benign/Likely benign. Review status: criteria provided, multiple submitters, no conflicts (2 of 4 stars). 3 submissions from 3 submitters: Benign (1); Likely benign (2). Last evaluated 2026-01-18.

Conditions:
Fanconi anemia complementation group J. Also called: BRIP1-Related Fanconi Anemia. Identifiers: Orphanet 84, MedGen C1836860, MONDO:0012187, OMIM 609054.
Familial cancer of breast. Also called: hereditary breast carcinoma; BREAST CANCER, FAMILIAL; Hereditary breast cancer. Identifiers: Orphanet 227535, MedGen C0346153, MONDO:0016419, OMIM 114480. Disease mechanism: loss of function.
Hereditary cancer-predisposing syndrome. Also called: Tumor predisposition; Hereditary Cancer Syndrome; Hereditary neoplastic syndrome; Neoplastic Syndromes, Hereditary. Identifiers: Orphanet 140162, MedGen C0027672, MeSH D009386, MONDO:0015356.

Allele frequency attached by ClinVar (database versions not stated): ExAC 0.00002; gnomAD exomes 0.00002.
gnomAD v4.1: 10 of 1,614,222 alleles (0.00062%); highest among the groups gnomAD compares: South Asian, 0.011%; no homozygotes.

Submissions (3):

Labcorp Genetics (formerly Invitae), Labcorp
Classification: Likely benign for Familial cancer of breast; Fanconi anemia complementation group J. Last evaluated: 2026-01-18. Review status: criteria provided, single submitter. Criteria: Invitae Variant Classification Sherloc (09022015). Collection method: clinical testing. Allele origin: germline.

Myriad Genetics, Inc.
Classification: Benign for Familial cancer of breast. Last evaluated: 2024-08-29. Review status: criteria provided, single submitter. Criteria: Myriad Autosomal Dominant, Autosomal Recessive and X-Linked Classification Criteria (2023). Collection method: clinical testing. Allele origin: unknown.
Comment: This variant is considered benign. This variant is a silent/synonymous amino acid change and it is not expected to impact splicing.

Ambry Genetics
Classification: Likely benign for Hereditary cancer-predisposing syndrome. Last evaluated: 2015-09-23. Review status: criteria provided, single submitter. Criteria: Ambry Variant Classification Scheme 2023. Collection method: clinical testing. Allele origin: germline.

NM_032043.3(BRIP1):c.1752T>C (p.Thr584=)

Gene: BRIP1 (BRCA1 interacting DNA helicase 1; minus strand). Cytogenetic location: 17q23.2.
Variant type: single nucleotide variant.
Coding change: c.1752T>C on transcript NM_032043.3 (MANE Select); coding-DNA position 1752, T replaced by C.
Protein change: p.Thr584=; no amino-acid change (threonine 584 retained).
Molecular consequence: synonymous variant.
Genome position (GRCh38, 1-based): chr17:61,780,882, A>G on the plus strand (T>C on the coding strand, the complement: BRIP1 is on the minus strand). VCF-style: chr17-61780882-A-G. GRCh37 (hg19) VCF-style: chr17-59858243-A-G.
Identifiers: ClinVar variation 234083 (VCV000234083.17), dbSNP rs778774207, ClinGen allele CA8690676.